The following is an entry in ClinVar:

NM_001304963.2(NUDT10):c.262G>C (p.Asp88His)

Gene: NUDT10 (nudix hydrolase 10; plus strand). Cytogenetic location: Xp11.22.
Variant type: single nucleotide variant.
Coding change: c.262G>C on transcript NM_001304963.2 (MANE Select); coding-DNA position 262, G replaced by C.
Protein change: p.Asp88His; replaces aspartic acid 88 with histidine.
Molecular consequence: missense variant.
Genome position (GRCh38, 1-based): chrX:51,333,227, G>C. VCF-style: chrX-51333227-G-C. GRCh37 (hg19) VCF-style: chrX-51076079-G-C.
Other names: c.262G>C, p.Asp88His (NM_153183.4); short protein forms D88H.
Identifiers: ClinVar variation 2660564 (VCV002660564.24), dbSNP rs143500991, ClinGen allele CA10416719.

ClinVar aggregate classification (germline): Likely benign (1 of 4 stars; one submission).

Allele frequency attached by ClinVar (database versions not stated): ExAC 0.00008; gnomAD 0.00017; ESP Exome Variant Server 0.00019; TOPMed 0.00019; gnomAD exomes 0.00021.
gnomAD v4.1: 251 of 1,209,054 alleles (0.021%); highest among the groups gnomAD compares: Non-Finnish European, 0.027%; no homozygotes.

Submission:

CeGaT Center for Human Genetics Tuebingen
Classification: Likely benign. Last evaluated: 2022-12-01. Review status: criteria provided, single submitter. Criteria: CeGaT Center For Human Genetics Tuebingen Variant Classification Criteria Version 2. Collection method: clinical testing. Allele origin: germline. Affected: yes. Observed: 1 variant allele.
Comment: NUDT10: BS2